The following is an entry in ClinVar:

NM_005529.7(HSPG2):c.1903G>A (p.Val635Met)

Gene: HSPG2 (heparan sulfate proteoglycan 2; minus strand). Cytogenetic location: 1p36.12.
Variant type: single nucleotide variant.
Coding change: c.1903G>A on transcript NM_005529.7 (MANE Select); coding-DNA position 1903, G replaced by A.
Protein change: p.Val635Met; replaces valine 635 with methionine.
Molecular consequence: missense variant.
Genome position (GRCh38, 1-based): chr1:21,880,751, C>T on the plus strand (G>A on the coding strand, the complement: HSPG2 is on the minus strand). VCF-style: chr1-21880751-C-T. GRCh37 (hg19) VCF-style: chr1-22207244-C-T.
Other names: c.1903G>A (NM_005529.6); c.1906G>A, p.Val636Met (NM_001291860.2); short protein forms V635M, V636M.
Identifiers: ClinVar variation 1303184 (VCV001303184.6), dbSNP rs558525559, ClinGen allele CA19153180.

ClinVar aggregate classification (germline): Uncertain significance. Review status: criteria provided, multiple submitters, no conflicts (2 of 4 stars). 4 submissions from 4 submitters: Uncertain significance (4). Last evaluated 2023-07-16.

Conditions:
Schwartz-Jampel syndrome type 1 (SJS1). Also called: MYOTONIC MYOPATHY, DWARFISM, CHONDRODYSTROPHY, AND OCULAR AND FACIAL ABNORMALITIES; CHONDRODYSTROPHIC MYOTONIA. Identifiers: MedGen C4551479, MONDO:0100435, OMIM 255800.
Lethal Kniest-like syndrome (DDSH). Also called: Dyssegmental Dysplasia. Identifiers: Orphanet 1865, MedGen C1857100, MONDO:0009140, OMIM 224410.
HSPG2-related disorder. Also called: HSPG2-related condition; HSPG2-related disorders.

Allele frequency attached by ClinVar (database versions not stated): gnomAD 0.00001; TOPMed 0.00001; 1000 Genomes Project 30x 0.00016; 1000 Genomes Project 0.00020.
gnomAD v4.1: 27 of 1,600,022 alleles (0.0017%); highest among the groups gnomAD compares: African/African-American, 0.021%; no homozygotes.

Submissions (4):

PreventionGenetics, part of Exact Sciences
Classification: Uncertain significance for HSPG2-related condition. Last evaluated: 2023-07-16. Review status: criteria provided, single submitter. Criteria: ACMG Guidelines, 2015. Collection method: clinical testing. Allele origin: germline.
Comment: The HSPG2 c.1903G>A variant is predicted to result in the amino acid substitution p.Val635Met. To our knowledge, this variant has not been reported in the literature. This variant is reported in 0.012% of alleles in individuals of East Asian descent in gnomAD. At this time, the clinical significance of this variant is uncertain due to the absence of conclusive functional and genetic evidence.

Labcorp Genetics (formerly Invitae), Labcorp
Classification: Uncertain significance. Last evaluated: 2022-03-20. Review status: criteria provided, single submitter. Criteria: Invitae Variant Classification Sherloc (09022015). Collection method: clinical testing. Allele origin: germline.
Comment: This variant has not been reported in the literature in individuals affected with HSPG2-related conditions. In summary, the available evidence is currently insufficient to determine the role of this variant in disease. Therefore, it has been classified as a Variant of Uncertain Significance. Algorithms developed to predict the effect of missense changes on protein structure and function are either unavailable or do not agree on the potential impact of this missense change (SIFT: "Deleterious"; PolyPhen-2: "Probably Damaging"; Align-GVGD: "Class C0"). ClinVar contains an entry for this variant (Variation ID: 1303184). The frequency data for this variant in the population databases is considered unreliable, as metrics indicate poor data quality at this position in the gnomAD database. This sequence change replaces valine, which is neutral and non-polar, with methionine, which is neutral and non-polar, at codon 635 of the HSPG2 protein (p.Val635Met).

Fulgent Genetics
Classification: Uncertain significance for Lethal Kniest-like syndrome; Schwartz-Jampel syndrome type 1. Last evaluated: 2022-02-28. Review status: criteria provided, single submitter. Criteria: ACMG Guidelines, 2015. Collection method: clinical testing. Allele origin: unknown.

GeneDx
Classification: Uncertain significance. Last evaluated: 2019-07-19. Review status: criteria provided, single submitter. Criteria: GeneDx Variant Classification Process June 2021. Collection method: clinical testing. Allele origin: germline. Affected: yes.
Comment: In silico analysis, which includes protein predictors and evolutionary conservation, supports a deleterious effect; Has not been previously published as pathogenic or benign to our knowledge